The following is an entry in ClinVar:

ClinVar aggregate classification (germline): Conflicting classifications of pathogenicity. Review status: criteria provided, conflicting classifications (1 of 4 stars). 2 submissions from 2 submitters: Uncertain significance (1); Likely benign (1). Last evaluated 2025-12-30.

Conditions:
Cardiovascular phenotype. Identifiers: MedGen CN230736.
Hypertrophic cardiomyopathy. Also called: HYPERTROPHIC MYOCARDIOPATHY. Identifiers: Orphanet 217569, MedGen C0007194, MeSH D002312, MONDO:0005045, HP:0001639.

Submissions (2):

Ambry Genetics
Classification: Uncertain significance for Cardiovascular phenotype. Last evaluated: 2025-12-30. Review status: criteria provided, single submitter. Criteria: Ambry Variant Classification Scheme 2023. Collection method: clinical testing. Allele origin: germline.
Comment: The c.411C>T variant (also known as p.A137A), located in coding exon 2 of the ACTC1 gene, results from a C to T substitution at nucleotide position 411. This nucleotide substitution does not change the alanine at codon 137. This nucleotide position is not well conserved in available vertebrate species. In silico splice site analysis for this alteration is inconclusive. Based on the available evidence, the clinical significance of this variant remains unclear.

All of Us Research Program, National Institutes of Health
Classification: Likely benign for Hypertrophic cardiomyopathy. Last evaluated: 2024-03-05. Review status: criteria provided, single submitter. Criteria: ACMG Guidelines, 2015. Collection method: clinical testing. Allele origin: germline. Inheritance: Autosomal dominant inheritance. Observed: 1 variant allele, 1 heterozygote.
Comment: This study involves interpretation of variants in research participants for the purpose of population health screening. Participant phenotype was not available at the time of variant classification. Additional details can be found in publication PMID: 35346344, PMCID: PMC8962531

NM_005159.5(ACTC1):c.411C>T (p.Ala137=)

Genes: ACTC1 (actin alpha cardiac muscle 1; minus strand), GJD2-DT (GJD2 divergent transcript; plus strand). Cytogenetic location: 15q14.
Variant type: single nucleotide variant.
Coding change: c.411C>T on transcript NM_005159.5 (MANE Select); coding-DNA position 411, C replaced by T.
Protein change: p.Ala137=; no amino-acid change (alanine 137 retained).
Molecular consequence: synonymous variant. On other transcripts: intron variant (1).
Genome position (GRCh38, 1-based): chr15:34,793,288, G>A on the plus strand (C>T on the coding strand, the complement: ACTC1 is on the minus strand). VCF-style: chr15-34793288-G-A. GRCh37 (hg19) VCF-style: chr15-35085489-G-A.
Other names: c.411C>T, p.Ala137= (NM_001406482.1, NM_001406483.1); c.276C>T, p.Ala92= (NM_001406484.1); c.13+10C>T (NM_001406485.1).
Identifiers: ClinVar variation 3387005 (VCV003387005.2).